The following is an entry in ClinVar:

ClinVar aggregate classification (germline): Conflicting classifications of pathogenicity. Review status: criteria provided, conflicting classifications (1 of 4 stars). 2 submissions from 2 submitters: Uncertain significance (1); Likely benign (1). Last evaluated 2024-09-20.

Conditions:
Inborn genetic diseases. Identifiers: MedGen C0950123, MeSH D030342.
Cardiac anomalies - developmental delay - facial dysmorphism syndrome (MRFACD). Also called: MED13L Syndrome; Impaired intellectual development and distinctive facial features with or without cardiac defects. Identifiers: Orphanet 369891, MedGen C5192431, MONDO:0014773, OMIM 616789.

Submissions (2):

3billion
Classification: Likely benign for Cardiac anomalies - developmental delay - facial dysmorphism syndrome. Last evaluated: 2024-09-20. Review status: criteria provided, single submitter. Criteria: ACMG Guidelines, 2015. Collection method: clinical testing. Allele origin: germline. Affected: no.
Comment: The variant was identified in at least one patient who was diagnosed with a different variant in another gene and showed no symptoms related to the gene containing the variant in question.

Ambry Genetics
Classification: Uncertain significance for Inborn genetic diseases. Last evaluated: 2021-01-06. Review status: criteria provided, single submitter. Criteria: Ambry Variant Classification Scheme 2023. Collection method: clinical testing. Allele origin: germline.

NM_015335.5(MED13L):c.3932A>G (p.Asn1311Ser)

Gene: MED13L (mediator complex subunit 13L; minus strand). Cytogenetic location: 12q24.21.
Variant type: single nucleotide variant.
Coding change: c.3932A>G on transcript NM_015335.5 (MANE Select); coding-DNA position 3932, A replaced by G.
Protein change: p.Asn1311Ser; replaces asparagine 1311 with serine.
Molecular consequence: missense variant.
Genome position (GRCh38, 1-based): chr12:115,991,022, T>C on the plus strand (A>G on the coding strand, the complement: MED13L is on the minus strand). VCF-style: chr12-115991022-T-C. GRCh37 (hg19) VCF-style: chr12-116428827-T-C.
Other names: short protein forms N1311S.
Identifiers: ClinVar variation 2228624 (VCV002228624.3), dbSNP rs2499854439, ClinGen allele CA386886008.
Genomic context (GRCh38, chr12:115,991,022, plus strand): 5'-TAAGTTATGATCATACCAAGATACTCCTCAAAGTAAATTTGTGTTCTGGGACACCTACCA[T>C]TGCTGTGAGGCCAAGAGTGCACAGTGGCACTTCTCACCAGAGCTTCGTCCACTTTTCCAC-3'
Protein context (NP_056150.1, residues 1301-1321): SATVHSWPHS[Asn1311Ser]VLDISMLSSQ